The following is an entry in ClinVar:

NM_032119.4(ADGRV1):c.6786_6790delinsCGGTGG (p.Thr2264fs)

Gene: ADGRV1 (adhesion G protein-coupled receptor V1; plus strand). Cytogenetic location: 5q14.3.
Variant type: Indel.
Coding change: c.6786_6790delinsCGGTGG on transcript NM_032119.4 (MANE Select); coding-DNA positions 6786 to 6790, TGGGA replaced by CGGTGG.
Protein change: p.Thr2264fs; shifts the reading frame from threonine 2264.
Molecular consequence: frameshift variant. On other transcripts: non-coding transcript variant (1).
Genome position (GRCh38, 1-based): chr5:90,690,876-90,690,880, TGGGA replaced by CGGTGG. VCF-style: chr5-90690876-TGGGA-CGGTGG. GRCh37 (hg19) VCF-style: chr5-89986693-TGGGA-CGGTGG.
Other names: short protein forms T2264fs.
Identifiers: ClinVar variation 966452 (VCV000966452.7), dbSNP rs1746377687, ClinGen allele CA1139658937.
Genomic context (GRCh38, chr5:90,690,876, plus strand): 5'-TATTGTAGAGGAACCTGAGTTTAACTCAGTGAAGGTAAACCTGCCAATAATTCGAAATTC[TGGGA>CGGTGG]CACTCGGCAATGTTACTGTTCAGTGGGTTGCCACCATTAATGGACAGCTTGCTACTGGCG-3'

ClinVar aggregate classification (germline): Pathogenic/Likely pathogenic. Review status: criteria provided, multiple submitters, no conflicts (2 of 4 stars). 3 submissions from 3 submitters: Pathogenic (2); Likely pathogenic (1). Last evaluated 2025-01-22.

Conditions:
ADGRV1-related disorder. Also called: ADGRV1-related disorders; ADGRV1-related condition.

Submissions (3):

GeneDx
Classification: Pathogenic. Last evaluated: 2025-01-22. Review status: criteria provided, single submitter. Criteria: GeneDx Variant Classification Process June 2021. Collection method: clinical testing. Allele origin: germline. Affected: yes.
Comment: Frameshift variant predicted to result in protein truncation or nonsense mediated decay in a gene for which loss of function is a known mechanism of disease; Not observed at significant frequency in large population cohorts (gnomAD); Has not been previously published as pathogenic or benign to our knowledge

Labcorp Genetics (formerly Invitae), Labcorp
Classification: Pathogenic. Last evaluated: 2024-10-05. Review status: criteria provided, single submitter. Criteria: Invitae Variant Classification Sherloc (09022015). Collection method: clinical testing. Allele origin: germline.
Comment: This sequence change creates a premature translational stop signal (p.Thr2264Glyfs*14) in the ADGRV1 gene. It is expected to result in an absent or disrupted protein product. Loss-of-function variants in ADGRV1 are known to be pathogenic (PMID: 19357117, 22135276, 22147658, 26226137, 30718709, 31047384, 32467589). Information on the frequency of this variant in the gnomAD database is not available, as this variant may be reported differently in the database. This variant has not been reported in the literature in individuals affected with ADGRV1-related conditions. For these reasons, this variant has been classified as Pathogenic.

Blueprint Genetics
Classification: Likely pathogenic for ADGRV1-related disorders. Last evaluated: 2024-01-29. Review status: criteria provided, single submitter. Criteria: ACMG Guidelines, 2015. Collection method: clinical testing. Allele origin: germline. Affected: yes. Observed: 1 variant allele.

Literature cited by the submitters: PubMed 19357117 (cited by Labcorp Genetics (formerly Invitae), Labcorp); PubMed 22135276 (cited by Labcorp Genetics (formerly Invitae), Labcorp); PubMed 22147658 (cited by Labcorp Genetics (formerly Invitae), Labcorp); PubMed 26226137 (cited by Labcorp Genetics (formerly Invitae), Labcorp); PubMed 30718709 (cited by Labcorp Genetics (formerly Invitae), Labcorp); PubMed 31047384 (cited by Labcorp Genetics (formerly Invitae), Labcorp); PubMed 32467589 (cited by Labcorp Genetics (formerly Invitae), Labcorp).